The following is an entry in ClinVar:

ClinVar aggregate classification (germline): Uncertain significance (1 of 4 stars; one submission).

Conditions:
Inborn genetic diseases. Identifiers: MedGen C0950123, MeSH D030342.

Submission:

Ambry Genetics
Classification: Uncertain significance for Inborn genetic diseases. Last evaluated: 2026-05-14. Review status: criteria provided, single submitter. Criteria: Ambry Variant Classification Scheme 2023. Collection method: clinical testing. Allele origin: germline.
Comment: The p.A143T variant (also known as c.427G>A), located in coding exon 3 of the USB1 gene, results from a G to A substitution at nucleotide position 427. The alanine at codon 143 is replaced by threonine, an amino acid with similar properties. This amino acid position is conserved. In addition, this alteration is predicted to be tolerated by in silico analysis. Based on the available evidence, the clinical significance of this variant remains unclear.

NM_024598.4(USB1):c.427G>A (p.Ala143Thr)

Gene: USB1 (U6 snRNA biogenesis phosphodiesterase 1; plus strand). Cytogenetic location: 16q21.
Variant type: single nucleotide variant.
Coding change: c.427G>A on transcript NM_024598.4 (MANE Select); coding-DNA position 427, G replaced by A.
Protein change: p.Ala143Thr; replaces alanine 143 with threonine.
Molecular consequence: missense variant.
Genome position (GRCh38, 1-based): chr16:58,010,090, G>A. VCF-style: chr16-58010090-G-A. GRCh37 (hg19) VCF-style: chr16-58043994-G-A.
Other names: c.427G>A, p.Ala143Thr (NM_001195302.2, NM_001204911.2, NM_001330569.2); c.274G>A, p.Ala92Thr (NM_001330568.2); short protein forms A143T, A92T.
Identifiers: ClinVar variation 4866365 (VCV004866365.1).